The following is an entry in ClinVar:

NM_005876.5(SPEG):c.8047C>T (p.Pro2683Ser)

Genes: ASIC4-AS1 (ASIC4 antisense RNA 1; minus strand), SPEG (striated muscle enriched protein kinase; plus strand). Cytogenetic location: 2q35.
Variant type: single nucleotide variant.
Coding change: c.8047C>T on transcript NM_005876.5 (MANE Select); coding-DNA position 8047, C replaced by T.
Protein change: p.Pro2683Ser; replaces proline 2683 with serine.
Molecular consequence: missense variant.
Genome position (GRCh38, 1-based): chr2:219,488,798, C>T. VCF-style: chr2-219488798-C-T. GRCh37 (hg19) VCF-style: chr2-220353520-C-T.
Other names: short protein forms P2683S.
Identifiers: ClinVar variation 1925937 (VCV001925937.6), dbSNP rs1468339574, ClinGen allele CA350707915.

ClinVar aggregate classification (germline): Uncertain significance. Review status: criteria provided, multiple submitters, no conflicts (2 of 4 stars). 2 submissions from 2 submitters: Uncertain significance (2). Last evaluated 2023-11-08.

Conditions:
Myopathy, centronuclear, 5 (CNM5). Identifiers: Orphanet 169186, MedGen C4014814, MONDO:0014418, OMIM 615959.

Allele frequency attached by ClinVar (database versions not stated): TOPMed below 0.00001.
gnomAD v4.1: 5 of 1,601,882 alleles (0.00031%); highest among the groups gnomAD compares: South Asian, 0.0056%; no homozygotes.

Submissions (2):

Revvity Omics, Revvity
Classification: Uncertain significance for Myopathy, centronuclear, 5. Last evaluated: 2023-11-08. Review status: criteria provided, single submitter. Criteria: ACMG Guidelines, 2015. Collection method: clinical testing. Allele origin: germline.

Labcorp Genetics (formerly Invitae), Labcorp
Classification: Uncertain significance. Last evaluated: 2022-04-18. Review status: criteria provided, single submitter. Criteria: Invitae Variant Classification Sherloc (09022015). Collection method: clinical testing. Allele origin: germline.
Comment: In summary, the available evidence is currently insufficient to determine the role of this variant in disease. Therefore, it has been classified as a Variant of Uncertain Significance. Algorithms developed to predict the effect of missense changes on protein structure and function (SIFT, PolyPhen-2, Align-GVGD) all suggest that this variant is likely to be tolerated. This variant has not been reported in the literature in individuals affected with SPEG-related conditions. This variant is not present in population databases (gnomAD no frequency). This sequence change replaces proline, which is neutral and non-polar, with serine, which is neutral and polar, at codon 2683 of the SPEG protein (p.Pro2683Ser).